The following is an entry in ClinVar:

NM_014112.5(TRPS1):c.2635del (p.Leu879fs)

Gene: TRPS1 (transcriptional repressor GATA binding 1; minus strand). Cytogenetic location: 8q23.3.
Variant type: Deletion.
Coding change: c.2635del on transcript NM_014112.5 (MANE Select); coding-DNA position 2635, one base deleted (C; older notation c.2635delC).
Protein change: p.Leu879fs; shifts the reading frame from leucine 879.
Molecular consequence: frameshift variant.
Genome position (GRCh38, 1-based): chr8:115,587,066, G deleted on the plus strand (C on the coding strand, the reverse complement: TRPS1 is on the minus strand); the first of 3 consecutive G bases (chr8:115,587,066-115,587,068); deleting any one gives the same sequence. VCF-style (leftmost placement, unchanged base first): chr8-115587065-AG-A. GRCh37 (hg19) VCF-style: chr8-116599292-AG-A.
Other names: c.2608del, p.Leu870fs (NM_001282902.3); c.2614del, p.Leu872fs (NM_001282903.3); c.2596del, p.Leu866fs (NM_001330599.2); short protein forms L866fs, L870fs, L872fs, L879fs.
Identifiers: ClinVar variation 4073594 (VCV004073594.1).

ClinVar aggregate classification (germline): Likely pathogenic (1 of 4 stars; one submission).

Conditions:
Trichorhinophalangeal dysplasia type I (TRPS1). Also called: TRICHORHINOPHALANGEAL SYNDROME, TYPE I; TRPS I. Identifiers: Orphanet 77258, MedGen C0432233, MONDO:0008596, OMIM 190350.

Submission:

Department of Pediatric Genetics, University of Health Sciences, Ankara Bilkent City Children’s Hospital
Classification: Likely pathogenic for Trichorhinophalangeal dysplasia type I. Last evaluated: 2024-12-01. Review status: criteria provided, single submitter. Criteria: ACMG Guidelines, 2015. Collection method: clinical testing. Allele origin: maternal. Affected: yes.
Comment: The c.2635del variant in the TRPS1 gene (NM_014112.5) is a frameshift located in exon 5 and has not been previously reported in ClinVar. This variant is predicted to result in loss of function due to a truncated or absent protein (PVS1). The allele frequency of this variant is not reported, and it is absent from population databases such as gnomAD (PM2). In summary, this variant meets the criteria to be classified as likely pathogenic for Trichorhinophalangeal syndrome type I (OMIM #190350), based on the ACMG guidelines (Richards et al., 2015), with supporting evidence from criteria PVS1, PM2, and PP1.